The following is an entry in ClinVar:

ClinVar aggregate classification (germline): Uncertain significance. Review status: criteria provided, multiple submitters, no conflicts (2 of 4 stars). 4 submissions from 4 submitters: Uncertain significance (4). Last evaluated 2024-02-09.

Allele frequency attached by ClinVar (database versions not stated): gnomAD exomes 0.00003 and 0.00008; ExAC 0.00010; TOPMed 0.00024; gnomAD 0.00025 and 0.00026; ESP Exome Variant Server 0.00046.
gnomAD v4.1: 98 of 1,613,934 alleles (0.0061%); highest among the groups gnomAD compares: African/African-American, 0.096%; 1 homozygote.

Submissions (4):

Blueprint Genetics
Classification: Uncertain significance. Last evaluated: 2024-02-09. Review status: criteria provided, single submitter. Criteria: ACMG Guidelines, 2015. Collection method: clinical testing. Allele origin: germline.

Labcorp Genetics (formerly Invitae), Labcorp
Classification: Uncertain significance. Last evaluated: 2024-01-15. Review status: criteria provided, single submitter. Criteria: Invitae Variant Classification Sherloc (09022015). Collection method: clinical testing. Allele origin: germline.
Comment: This sequence change replaces serine, which is neutral and polar, with asparagine, which is neutral and polar, at codon 523 of the WHRN protein (p.Ser523Asn). This variant is present in population databases (rs140954343, gnomAD 0.09%). This variant has not been reported in the literature in individuals affected with WHRN-related conditions. ClinVar contains an entry for this variant (Variation ID: 804740). An algorithm developed to predict the effect of missense changes on protein structure and function (PolyPhen-2) suggests that this variant¬†is likely to be tolerated. In summary, the available evidence is currently insufficient to determine the role of this variant in disease. Therefore, it has been classified as a Variant of Uncertain Significance.

GeneDx
Classification: Uncertain significance. Last evaluated: 2023-10-04. Review status: criteria provided, single submitter. Criteria: GeneDx Variant Classification Process June 2021. Collection method: clinical testing. Allele origin: germline. Affected: yes.
Comment: In silico analysis supports that this missense variant does not alter protein structure/function; Has not been previously published as pathogenic or benign to our knowledge

Athena Diagnostics
Classification: Uncertain significance. Last evaluated: 2019-07-24. Review status: criteria provided, single submitter. Criteria: Athena Diagnostics Criteria. Collection method: clinical testing. Allele origin: germline.

NM_015404.4(WHRN):c.1568G>A (p.Ser523Asn)

Gene: WHRN (whirlin; minus strand). Cytogenetic location: 9q32.
Variant type: single nucleotide variant.
Coding change: c.1568G>A on transcript NM_015404.4 (MANE Select); coding-DNA position 1568, G replaced by A.
Protein change: p.Ser523Asn; replaces serine 523 with asparagine.
Molecular consequence: missense variant.
Genome position (GRCh38, 1-based): chr9:114,423,372, C>T on the plus strand (G>A on the coding strand, the complement: WHRN is on the minus strand). VCF-style: chr9-114423372-C-T. GRCh37 (hg19) VCF-style: chr9-117185652-C-T.
Other names: c.419G>A, p.Ser140Asn (NM_001083885.3); c.1568G>A, p.Ser523Asn (NM_001173425.2); c.515G>A, p.Ser172Asn (NM_001346890.1); c.1568G>A (NM_015404.2); short protein forms S140N, S523N, S172N.
Identifiers: ClinVar variation 804740 (VCV000804740.8), dbSNP rs140954343, ClinGen allele CA5205909.